The following is an entry in ClinVar:

NM_000996.4(RPL35A):c.165-16_166del

Genes: DRC9 (dynein regulatory complex subunit 9; minus strand), RPL35A (ribosomal protein L35a; plus strand). Cytogenetic location: 3q29.
Variant type: Deletion.
Coding change: c.165-16_166del on transcript NM_000996.4 (MANE Select); 16 bases into the intron before coding-DNA position 165 through coding-DNA position 166, 18 bases deleted (CCCTTTTTAAAATCAGCA).
Molecular consequence: splice acceptor variant. On other transcripts: intron variant (3).
Genome position (GRCh38, 1-based): chr3:197,953,987-197,954,004, CCCTTTTTAAAATCAGCA deleted. VCF-style (leftmost placement, unchanged base first): chr3-197953986-TCCCTTTTTAAAATCAGCA-T. GRCh37 (hg19) VCF-style: chr3-197680857-TCCCTTTTTAAAATCAGCA-T.
Other names: c.-50+5525_-50+5542del (NM_001323028.2); c.-60+5525_-60+5542del (NM_032263.5); c.-375+5525_-375+5542del (NM_001323029.2); c.165-16_166del (NM_001316311.2).
Identifiers: ClinVar variation 1777261 (VCV001777261.2), dbSNP rs2530430943, ClinGen allele CA2580070597.
Genomic context (GRCh38, chr3:197,953,986, plus strand): 5'-ACTCGTGTAGAGGTCACCTTGAATTTGTATCCAACTATATCAGCTTGTATTCCTCTTCTT[TCCCTTTTTAAAATCAGCA>T]ACACAGTCACTCCTGGCGGCAAACCAAACAAAACCAGAGTCATCTGGGGAAAAGTAACTC-3'

ClinVar aggregate classification (germline): Likely pathogenic (1 of 4 stars; one submission).

Conditions:
Diamond-Blackfan anemia. Also called: Blackfan Diamond syndrome; Aregenerative anemia chronic congenital; Red cell aplasia, pure hereditary; Congenital hypoplastic anemia; Aase syndrome. Identifiers: Orphanet 124, MedGen C1260899, MeSH D029503, MONDO:0015253, HP:0004810.

Submission:

Ambry Genetics
Classification: Likely pathogenic for Diamond-Blackfan anemia. Last evaluated: 2015-11-17. Review status: criteria provided, single submitter. Criteria: Ambry Variant Classification Scheme 2023. Collection method: clinical testing. Allele origin: germline.
Comment: The c.165-16_166del18 variant spans the last sixteen nucleotides of intron 2 through the first 2 nucleotides of coding exon 3 in the RPL35A gene. This results in a deletion of 18 nucleotides, including the canonical splice acceptor site. Alterations that disrupt the canonical splice acceptor site are typically deleterious in nature (ACMG Recommendations for Standards for Interpretation and Reporting of Sequence Variations. Revision 2007. Genet Med. 2008;10:294). As such, the c.165-16_166del18 variant is classified as likely pathogenic.